The following is an entry in ClinVar:

ClinVar aggregate classification (germline): Pathogenic (1 of 4 stars; one submission).

Conditions:
Hyperekplexia 2 (HKPX2). Identifiers: Orphanet 3197, MedGen C3553291, MONDO:0013828, OMIM 614619.

Submission:

Labcorp Genetics (formerly Invitae), Labcorp
Classification: Pathogenic for Hyperekplexia 2. Last evaluated: 2025-01-27. Review status: criteria provided, single submitter. Criteria: Invitae Variant Classification Sherloc (09022015). Collection method: clinical testing. Allele origin: germline.
Comment: This sequence change creates a premature translational stop signal (p.Val408Serfs*5) in the GLRB gene. While this is not anticipated to result in nonsense mediated decay, it is expected to disrupt the last 90 amino acid(s) of the GLRB protein. This variant is present in population databases (rs779869530, gnomAD 0.01%). This variant has not been reported in the literature in individuals affected with GLRB-related conditions. ClinVar contains an entry for this variant (Variation ID: 540368). This variant disrupts a region of the GLRB protein in which other variant(s) (p.Arg472*) have been determined to be pathogenic (PMID: 23184146; internal data). This suggests that this is a clinically significant region of the protein, and that variants that disrupt it are likely to be disease-causing. For these reasons, this variant has been classified as Pathogenic.

Literature cited by the submitters: PubMed 23184146.

NM_000824.5(GLRB):c.1221dup (p.Val408fs)

Gene: GLRB (glycine receptor beta; plus strand). Cytogenetic location: 4q32.1.
Variant type: Duplication.
Coding change: c.1221dup on transcript NM_000824.5 (MANE Select); coding-DNA position 1221, one base duplicated (A; older notation c.1221dupA).
Protein change: p.Val408fs; shifts the reading frame from valine 408.
Molecular consequence: frameshift variant. On other transcripts: 3 prime UTR variant (1).
Genome position (GRCh38, 1-based): chr4:157,170,455, A duplicated; the last of 6 consecutive A bases (chr4:157,170,450-157,170,455); duplicating any one gives the same sequence. VCF-style (leftmost placement, unchanged base first): chr4-157170449-C-CA. GRCh37 (hg19) VCF-style: chr4-158091601-C-CA.
Other names: c.1221dup, p.Val408fs (NM_001166060.2); c.*16dup (NM_001166061.2); c.1221dupA (NM_000824.4); short protein forms V408fs.
Identifiers: ClinVar variation 540368 (VCV000540368.6), dbSNP rs746631259, ClinGen allele CA3119985.
Genomic context (GRCh38, chr4:157,170,449, plus strand): 5'-GTAGAAAAGTTTTAAATACATTGTCTTCAATATTTATTCTTAGGTTGGTGAGACCAGATG[C>CA]AAAAAAGTTTGTACTTCTAAGTCTGATCTGAGATCTAATGACTTCAGCATTGTTGGAAGC-3'